The following is an entry in ClinVar:

NM_001379451.1(BCORL1):c.2945C>A (p.Pro982His)

Gene: BCORL1 (BCL6 corepressor like 1; plus strand). Cytogenetic location: Xq26.1.
Variant type: single nucleotide variant.
Coding change: c.2945C>A on transcript NM_001379451.1 (MANE Select); coding-DNA position 2945, C replaced by A.
Protein change: p.Pro982His; replaces proline 982 with histidine.
Molecular consequence: missense variant.
Genome position (GRCh38, 1-based): chrX:130,015,717, C>A. VCF-style: chrX-130015717-C-A. GRCh37 (hg19) VCF-style: chrX-129149693-C-A.
Other names: c.2945C>A, p.Pro982His (NM_001184772.3, NM_001379450.1, NM_021946.5); short protein forms P982H.
Identifiers: ClinVar variation 3764247 (VCV003764247.1).

ClinVar aggregate classification (germline): Uncertain significance (1 of 4 stars; one submission).

Submission:

GeneDx
Classification: Uncertain significance. Last evaluated: 2024-08-19. Review status: criteria provided, single submitter. Criteria: GeneDx Variant Classification Process June 2021. Collection method: clinical testing. Allele origin: germline. Affected: yes.
Comment: Not observed at significant frequency in large population cohorts (gnomAD); In silico analysis supports that this missense variant has a deleterious effect on protein structure/function; Has not been previously published as pathogenic or benign to our knowledge